The following is an entry in ClinVar:

ClinVar aggregate classification (germline): Pathogenic. Review status: criteria provided, multiple submitters, no conflicts (2 of 4 stars). 15 submissions from 15 submitters: Pathogenic (11). 4 of the submissions do not count toward it. Last evaluated 2025-11-25.

Conditions:
Muscular dystrophy, limb-girdle, autosomal dominant 4. Also called: Calpain-3-related limb-girdle muscular dystrophy D4; MUSCULAR DYSTROPHY, LIMB-GIRDLE, TYPE 1I. Identifiers: Orphanet 565909, MedGen C4748295, MONDO:0029133, OMIM 618129.
Autosomal recessive limb-girdle muscular dystrophy type 2A (LGMDR1). Also called: LEYDEN-MOEBIUS MUSCULAR DYSTROPHY; MUSCULAR DYSTROPHY, PELVOFEMORAL; Limb-girdle muscular dystrophy, type 2A; Calpainopathy; Muscular dystrophy, limb-girdle, type 2A, Amish. Identifiers: Orphanet 267, MedGen C1869123, MONDO:0009675, OMIM 253600. Disease mechanism: loss of function.
Abnormality of the musculature. Identifiers: MedGen C4021745, HP:0003011.

Submissions (15):

3billion
Classification: Pathogenic for Autosomal recessive limb-girdle muscular dystrophy type 2A. Last evaluated: 2025-11-25. Review status: criteria provided, single submitter. Criteria: ACMG Guidelines, 2015. Collection method: clinical testing. Allele origin: germline. Affected: yes.
Comment: The variant is observed at an extremely low frequency in the gnomAD v4.1.0 dataset (total allele frequency: 0.001%). Predicted Consequence/Location: Frameshift: predicted to result in a loss or disruption of normal protein function through nonsense-mediated decay (NMD) or protein truncation. Multiple pathogenic variants are reported downstream of the variant. The variant has been reported at least twice as pathogenic with clinical assertions and evidence for the classification (ClinVar ID: VCV000017620 /PMID: 9771675 /3billion dataset). Therefore, this variant is classified as Pathogenic according to the recommendation of ACMG/AMP guideline.

Natera, Inc.
Classification: Pathogenic for Limb-girdle muscular dystrophy type 2A. Last evaluated: 2025-09-25. Review status: criteria provided, single submitter. Criteria: Natera Variant Classification Schema (03/2026). Collection method: clinical testing. Allele origin: germline.
Comment: The c.1795dupA variant in CAPN3 is a frameshift variant predicted to shift the reading frame beginning at codon 599 and leads to a stop codon 33 codons downstream. This variant is expected to result in nonsense mediated decay, truncation, or a dysfunctional protein product. This variant is rare in the general population with a frequency below the threshold expected for the associated phenotype(s). This variant has been observed in one or more individuals affected with the associated recessive disease, as either homozygous or compound heterozygous with a second variant (PMID: 22926650). Given the available evidence, this variant is classified as Pathogenic.

Fulgent Genetics
Classification: Pathogenic for Autosomal recessive limb-girdle muscular dystrophy type 2A; Muscular dystrophy, limb-girdle, autosomal dominant 4. Last evaluated: 2024-04-10. Review status: criteria provided, single submitter. Criteria: ACMG Guidelines, 2015. Collection method: clinical testing. Allele origin: germline.

Labcorp Genetics (formerly Invitae), Labcorp
Classification: Pathogenic for Autosomal recessive limb-girdle muscular dystrophy type 2A. Last evaluated: 2024-03-18. Review status: criteria provided, single submitter. Criteria: Invitae Variant Classification Sherloc (09022015). Collection method: clinical testing. Allele origin: germline.
Comment: This sequence change creates a premature translational stop signal (p.Thr599Asnfs*33) in the CAPN3 gene. It is expected to result in an absent or disrupted protein product. Loss-of-function variants in CAPN3 are known to be pathogenic (PMID: 10330340, 15689361). This variant is present in population databases (rs745989418, gnomAD 0.02%). This premature translational stop signal has been observed in individuals with autosomal recessive limb-girdle muscular dystrophy (PMID: 9771675, 23677060, 26632398). ClinVar contains an entry for this variant (Variation ID: 17620). For these reasons, this variant has been classified as Pathogenic.

Baylor Genetics
Classification: Pathogenic for Muscular dystrophy, limb-girdle, autosomal dominant 4. Last evaluated: 2023-12-30. Review status: criteria provided, single submitter. Criteria: ACMG Guidelines, 2015. Collection method: clinical testing. Allele origin: unknown.

Kariminejad - Najmabadi Pathology & Genetics Center
Classification: Pathogenic for Abnormality of the musculature. Last evaluated: 2021-07-10. Review status: criteria provided, single submitter. Criteria: ACMG Guidelines, 2015. Collection method: clinical testing. Allele origin: germline. Affected: yes.

Illumina Laboratory Services, Illumina
Classification: Pathogenic for Limb-girdle muscular dystrophy, type 2A. Last evaluated: 2017-04-27. Review status: criteria provided, single submitter. Criteria: ICSL Variant Classification Criteria 09 May 2019. Collection method: clinical testing. Allele origin: germline.
Comment: The CAPN3 c.1795dupA (p.Thr599AsnfsTer33) variant results in a frameshift and is predicted to result in premature truncation of the protein. The p.Thr599AsnfsTer33 variant has been reported in three studies in which it is found in a total of six patients including in three in a compound heterozygous state and three in a homozygous state (Kawai et al. 1998; Chae et al. 2001; Matsuura et al. 2013). The p.Thr599AsnfsTer33 variant was absent from 94 controls and is reported at a frequency of 0.00012 in the East Asian population of the Exome Aggregation Consortium. This is based on one allele in a region of good coverage so the variant is presumed to be rare. Based on the evidence and the potential impact of frameshift variants, the p.Thr599AsnfsTer33 variant is classified as pathogenic for calpainopathy. This variant was observed by ICSL as part of a predisposition screen in an ostensibly healthy population.

Athena Diagnostics
Classification: Pathogenic. Last evaluated: 2017-03-15. Review status: criteria provided, single submitter. Criteria: Athena Diagnostics Criteria. Collection method: clinical testing. Allele origin: germline.

Eurofins Ntd Llc (ga)
Classification: Pathogenic. Last evaluated: 2016-11-29. Review status: criteria provided, single submitter. Criteria: EGL Classification Definitions 2015. Collection method: clinical testing. Allele origin: germline. Observed: 1 variant allele, 1 heterozygote.

Soonchunhyang University Bucheon Hospital, Soonchunhyang University Medical Center
Classification: Pathogenic for Autosomal recessive limb-girdle muscular dystrophy type 2A. Last evaluated: 2016-03-18. Review status: criteria provided, single submitter. Criteria: ACMG Guidelines, 2015. Collection method: reference population. Allele origin: germline. Observed: 1 variant allele.

Juno Genomics, Hangzhou Juno Genomics, Inc
Classification: Pathogenic for Autosomal recessive limb-girdle muscular dystrophy type 2A. Review status: criteria provided, single submitter. Criteria: ACMG Guidelines, 2015. Collection method: clinical testing. Allele origin: germline.
Comment: Null variant in a gene where loss of function (LOF) is a known mechanism of disease.;For recessive disorders, detected in trans with a pathogenic variant.

Department of Rehabilitation Medicine, Incheon St. Mary’s Hospital, College of Medicine, The Catholic University of Korea
Classification: Pathogenic for Autosomal recessive limb-girdle muscular dystrophy type 2A. Last evaluated: 2019-02-11. Review status: no assertion criteria provided. Collection method: research. Allele origin: unknown. Inheritance: Autosomal recessive inheritance. Affected: yes. Observed: 1 compound heterozygote. Not counted in ClinVar's aggregate classification.

Counsyl
Classification: Pathogenic for Autosomal recessive limb-girdle muscular dystrophy type 2A. Last evaluated: 2018-03-29. Review status: no assertion criteria provided. Collection method: clinical testing. Allele origin: unknown. Not counted in ClinVar's aggregate classification.

OMIM
Classification: Pathogenic for MUSCULAR DYSTROPHY, LIMB-GIRDLE, AUTOSOMAL RECESSIVE 1. Last evaluated: 1998-11-01. Review status: no assertion criteria provided. Collection method: literature only. Allele origin: germline. Not counted in ClinVar's aggregate classification.

GeneReviews
No classification provided. Condition: Autosomal recessive limb-girdle muscular dystrophy type 2A. Review status: no classification provided. Collection method: literature only. Allele origin: germline. Not counted in ClinVar's aggregate classification.
Comment: Pathogenic variant most likely the result of a founder effect followed by genetic isolation in a population in Japan [Kawai et al 1998, Chae et al 2001].

Literature cited by the submitters: PubMed 9771675 (cited by 9 submitters); PubMed 22926650 (cited by Natera, Inc.); PubMed 10330340 (cited by Labcorp Genetics (formerly Invitae), Labcorp and Athena Diagnostics); PubMed 15689361 (cited by Labcorp Genetics (formerly Invitae), Labcorp); PubMed 23677060 (cited by 4 submitters); PubMed 26632398 (cited by 3 submitters); PubMed 11525884 (cited by 5 submitters).

NM_000070.3(CAPN3):c.1795dup (p.Thr599fs)

Gene: CAPN3 (calpain 3; plus strand). Cytogenetic location: 15q15.1.
Variant type: Duplication.
Coding change: c.1795dup on transcript NM_000070.3 (MANE Select); coding-DNA position 1795, one base duplicated (A; older notation c.1795dupA).
Protein change: p.Thr599fs; shifts the reading frame from threonine 599.
Molecular consequence: frameshift variant. On other transcripts: 5 prime UTR variant (1), intron variant (3).
Genome position (GRCh38, 1-based): chr15:42,405,938, A duplicated; the last of 7 consecutive A bases (chr15:42,405,932-42,405,938); duplicating any one gives the same sequence. VCF-style (leftmost placement, unchanged base first): chr15-42405931-G-GA. GRCh37 (hg19) VCF-style: chr15-42698129-G-GA.
Other names: c.1795dupA (NM_000070.2, NM_000070.3); c.259dup, p.Thr87fs (NM_173088.2); c.-87dup (NM_173090.2); c.1782+2161dup (NM_024344.2); c.1638+2161dup (NM_173087.2); c.-82+983dup (NM_173089.2); short protein forms T599fs, T87fs.
Identifiers: ClinVar variation 17620 (VCV000017620.47), dbSNP rs80338803, ClinGen allele CA341478.
Genomic context (GRCh38, chr15:42,405,931, plus strand): 5'-TCTGAGAACTTACTTTTCACTTATTCTGCATTTACTGTTTCCTTTTCTTATGCAGAAAAA[G>GA]AAAAAAACCAAGGTAGGTGTGTGGGTAGAGAGCATGAAGTGTGTGTACTCATGCATATGT-3'